The following is an entry in ClinVar:

ClinVar aggregate classification (germline): Pathogenic/Likely pathogenic. Review status: criteria provided, multiple submitters, no conflicts (2 of 4 stars). 7 submissions from 7 submitters: Pathogenic (3); Likely pathogenic (3). 1 of the submissions does not count toward it. Last evaluated 2026-02-19.

Conditions:
Arthrogryposis multiplex congenita 6. Identifiers: MedGen C5543431, MONDO:0030281, OMIM 619334.
Nemaline myopathy 2 (NEM2). Also called: Nemaline myopathy 2, autosomal recessive. Identifiers: MedGen C1850569, MONDO:0009725, OMIM 256030.
NEB-related disorder. Also called: NEB-Related Disorders; NEB-related condition.
Nemaline myopathy. Also called: Myopathies, Nemaline. Identifiers: Orphanet 607, MedGen C0206157, MONDO:0018958.

Allele frequency attached by ClinVar (database versions not stated): gnomAD exomes below 0.00001.

Submissions (7):

Women's Health and Genetics/Laboratory Corporation of America, LabCorp
Classification: Pathogenic for Nemaline myopathy. Last evaluated: 2026-02-19. Review status: criteria provided, single submitter. Criteria: LabCorp Variant Classification Summary - May 2015. Collection method: clinical testing. Allele origin: germline.
Comment: Variant summary: NEB c.24072dupA (p.Pro8025ThrfsX5) results in a premature termination codon, predicted to cause a truncation of the encoded protein or absence of the protein due to nonsense mediated decay, which are commonly known mechanisms for disease. The variant was absent in 155452 control chromosomes. To our knowledge, no occurrence of c.24072dupA in individuals affected with NEB-related conditions and no experimental evidence demonstrating its impact on protein function have been reported. ClinVar contains an entry for this variant (Variation ID: 953147). Based on the evidence outlined above, the variant was classified as pathogenic.

Myriad Genetics, Inc.
Classification: Pathogenic for Nemaline myopathy 2. Last evaluated: 2026-02-09. Review status: criteria provided, single submitter. Criteria: Myriad Autosomal Dominant, Autosomal Recessive and X-Linked Classification Criteria (2023). Collection method: clinical testing. Allele origin: unknown.
Comment: NM_001271208.1(NEB):c.24072dupA(P8025Tfs*5) is a frameshift variant classified as pathogenic in the context of NEB-related nemaline myopathy. P8025Tfs*5 has not been observed in cases with relevant disease. Relevant functional assessments of this variant are not available in the literature. P8025Tfs*5 has not been observed in referenced population frequency databases. In summary, NM_001271208.1(NEB):c.24072dupA(P8025Tfs*5) is a frameshift variant in a gene where loss of function is a known mechanism of disease and is predicted to disrupt protein function. Please note: this variant was assessed in the context of healthy population screening.

Natera, Inc.
Classification: Likely pathogenic for Nemaline myopathy type 2. Last evaluated: 2025-12-08. Review status: criteria provided, single submitter. Criteria: Natera Variant Classification Schema (03/2026). Collection method: clinical testing. Allele origin: germline.
Comment: The c.24072dupA variant in NEB is a frameshift variant predicted to shift the reading frame beginning at codon 8025 and leads to a stop codon 5 codons downstream. This variant is expected to result in nonsense mediated decay, truncation, or a dysfunctional protein product. This variant is rare in the general population with a frequency below the threshold expected for the associated phenotype(s). Given the available evidence, this variant is classified as Likely Pathogenic.

Fulgent Genetics
Classification: Likely pathogenic for Nemaline myopathy 2; Arthrogryposis multiplex congenita 6. Last evaluated: 2024-04-01. Review status: criteria provided, single submitter. Criteria: ACMG Guidelines, 2015. Collection method: clinical testing. Allele origin: germline.

Baylor Genetics
Classification: Likely pathogenic for Arthrogryposis multiplex congenita 6. Last evaluated: 2024-03-27. Review status: criteria provided, single submitter. Criteria: ACMG Guidelines, 2015. Collection method: clinical testing. Allele origin: unknown.

Labcorp Genetics (formerly Invitae), Labcorp
Classification: Pathogenic for Nemaline myopathy 2. Last evaluated: 2023-10-08. Review status: criteria provided, single submitter. Criteria: Invitae Variant Classification Sherloc (09022015). Collection method: clinical testing. Allele origin: germline.
Comment: This sequence change creates a premature translational stop signal (p.Pro8025Thrfs*5) in the NEB gene. It is expected to result in an absent or disrupted protein product. Loss-of-function variants in NEB are known to be pathogenic (PMID: 25205138). This variant is not present in population databases (gnomAD no frequency). This variant has not been reported in the literature in individuals affected with NEB-related conditions. ClinVar contains an entry for this variant (Variation ID: 953147). Algorithms developed to predict the effect of sequence changes on RNA splicing suggest that this variant may disrupt the consensus splice site. For these reasons, this variant has been classified as Pathogenic.

PreventionGenetics, part of Exact Sciences
Classification: Pathogenic for NEB-related condition. Last evaluated: 2024-04-10. Review status: no assertion criteria provided. Collection method: clinical testing. Allele origin: germline. Not counted in ClinVar's aggregate classification.
Comment: The NEB c.24072dupA variant is predicted to result in a frameshift and premature protein termination (p.Pro8025Thrfs*5). To our knowledge, this variant has not been reported in the literature or in a large population database, indicating this variant is rare. Frameshift variants in NEB are expected to be pathogenic. This variant is interpreted as pathogenic.

Literature cited by the submitters: PubMed 25205138 (cited by Labcorp Genetics (formerly Invitae), Labcorp).

NM_001164508.2(NEB):c.23967dup (p.Pro7990fs)

Genes: NEB (nebulin; minus strand), RIF1 (replication timing regulatory factor 1; plus strand). Cytogenetic location: 2q23.3.
Variant type: Duplication.
Coding change: c.23967dup on transcript NM_001164508.2 (MANE Select); coding-DNA position 23967, one base duplicated (A; older notation c.23967dupA).
Protein change: p.Pro7990fs; shifts the reading frame from proline 7990.
Molecular consequence: frameshift variant. On other transcripts: intron variant (1).
Genome position (GRCh38, 1-based): chr2:151,501,445, T duplicated on the plus strand (A on the coding strand, the reverse complement: NEB is on the minus strand). VCF-style (leftmost placement, unchanged base first): chr2-151501444-G-GT. GRCh37 (hg19) VCF-style: chr2-152357958-G-GT.
Other names: c.24072dupA (NM_001271208.2, NM_001271208.1); c.23967dup, p.Pro7990fs (NM_001164507.2); c.24072dup, p.Pro8025fs (NM_001271208.2); c.18825+1348dup (NM_004543.5); short protein forms P7990fs, P8025fs.
Identifiers: ClinVar variation 953147 (VCV000953147.14), dbSNP rs2064466448, ClinGen allele CA1139657228.